The following is an entry in ClinVar:

ClinVar aggregate classification (germline): Uncertain significance (1 of 4 stars; one submission).

gnomAD v4.1: 2 of 1,613,668 alleles (0.00012%); highest among the groups gnomAD compares: South Asian, 0.0022%; no homozygotes.

Submission:

Labcorp Genetics (formerly Invitae), Labcorp
Classification: Uncertain significance. Last evaluated: 2025-11-11. Review status: criteria provided, single submitter. Criteria: Invitae Variant Classification Sherloc (09022015). Collection method: clinical testing. Allele origin: germline.
Comment: This sequence change replaces isoleucine, which is neutral and non-polar, with threonine, which is neutral and polar, at codon 324 of the ABCB4 protein (p.Ile324Thr). This variant is present in population databases (rs751602580, gnomAD 0.003%). This variant has not been reported in the literature in individuals affected with ABCB4-related conditions. Invitae Evidence Modeling of protein sequence and biophysical properties (such as structural, functional, and spatial information, amino acid conservation, physicochemical variation, residue mobility, and thermodynamic stability) indicates that this missense variant is not expected to disrupt ABCB4 protein function with a negative predictive value of 80%. In summary, the available evidence is currently insufficient to determine the role of this variant in disease. Therefore, it has been classified as a Variant of Uncertain Significance.

NM_000443.4(ABCB4):c.971T>C (p.Ile324Thr)

Gene: ABCB4 (ATP binding cassette subfamily B member 4; minus strand). Cytogenetic location: 7q21.12.
Variant type: single nucleotide variant.
Coding change: c.971T>C on transcript NM_000443.4 (MANE Select); coding-DNA position 971, T replaced by C.
Protein change: p.Ile324Thr; replaces isoleucine 324 with threonine.
Molecular consequence: missense variant.
Genome position (GRCh38, 1-based): chr7:87,447,068, A>G on the plus strand (T>C on the coding strand, the complement: ABCB4 is on the minus strand). VCF-style: chr7-87447068-A-G. GRCh37 (hg19) VCF-style: chr7-87076384-A-G.
Other names: c.971T>C, p.Ile324Thr (NM_018849.3, NM_018850.3); short protein forms I324T.
Identifiers: ClinVar variation 4806661 (VCV004806661.1).
Genomic context (GRCh38, chr7:87,447,068, plus strand): 5'-TCATAAATGTTAGGAGAACTACTTACTGTCATTGCATTTCCAATAGTATATTCTTTTGAT[A>G]TGACTAGAGTGGATCCATACCAGAAGGCCAGTGCATATGATGCATATATTAACAGGAAGG-3'
Protein context (NP_000434.1, residues 314-334): LAFWYGSTLV[Ile324Thr]SKEYTIGNAM